The following is an entry in ClinVar:

NM_014225.6(PPP2R1A):c.224C>A (p.Thr75Asn)

Gene: PPP2R1A (protein phosphatase 2 scaffold subunit Aalpha; plus strand). Cytogenetic location: 19q13.41.
Variant type: single nucleotide variant.
Coding change: c.224C>A on transcript NM_014225.6 (MANE Select); coding-DNA position 224, C replaced by A.
Protein change: p.Thr75Asn; replaces threonine 75 with asparagine.
Molecular consequence: missense variant. On other transcripts: 5 prime UTR variant (1).
Genome position (GRCh38, 1-based): chr19:52,206,017, C>A. VCF-style: chr19-52206017-C-A. GRCh37 (hg19) VCF-style: chr19-52709270-C-A.
Other names: c.-314C>A (NM_001363656.2); short protein forms T75N.
Identifiers: ClinVar variation 2826415 (VCV002826415.3), dbSNP rs2514082637, ClinGen allele CA407181064.

ClinVar aggregate classification (germline): Uncertain significance (1 of 4 stars; one submission).

Submission:

Labcorp Genetics (formerly Invitae), Labcorp
Classification: Uncertain significance. Last evaluated: 2023-01-19. Review status: criteria provided, single submitter. Criteria: Invitae Variant Classification Sherloc (09022015). Collection method: clinical testing. Allele origin: germline.
Comment: This sequence change replaces threonine, which is neutral and polar, with asparagine, which is neutral and polar, at codon 75 of the PPP2R1A protein (p.Thr75Asn). In summary, the available evidence is currently insufficient to determine the role of this variant in disease. Therefore, it has been classified as a Variant of Uncertain Significance. Algorithms developed to predict the effect of missense changes on protein structure and function (SIFT, PolyPhen-2, Align-GVGD) all suggest that this variant is likely to be tolerated. This variant has not been reported in the literature in individuals affected with PPP2R1A-related conditions. This variant is not present in population databases (gnomAD no frequency).